The following is an entry in ClinVar:

ClinVar aggregate classification (germline): Uncertain significance. Review status: criteria provided, multiple submitters, no conflicts (2 of 4 stars). 2 submissions from 2 submitters: Uncertain significance (2). Last evaluated 2022-08-12.

Conditions:
Autosomal dominant hypocalcemia 1 (HYPOC1). Also called: HYPOCALCEMIA, FAMILIAL. Identifiers: MedGen C3715128, MONDO:0011013, OMIM 601198.
Familial hypocalciuric hypercalcemia (FHH). Also called: Familial benign hypercalcemia. Identifiers: Orphanet 405, MedGen C1809471, MONDO:0018458.
Nephrolithiasis/nephrocalcinosis. Identifiers: MedGen CN580796.

Allele frequency attached by ClinVar (database versions not stated): gnomAD exomes below 0.00001; ExAC 0.00001.
gnomAD v4.1: 3 of 1,614,250 alleles (0.00019%); highest among the groups gnomAD compares: Non-Finnish European, 0.00025%; no homozygotes.

Submissions (2):

Labcorp Genetics (formerly Invitae), Labcorp
Classification: Uncertain significance for Familial hypocalciuric hypercalcemia; Autosomal dominant hypocalcemia 1. Last evaluated: 2022-08-12. Review status: criteria provided, single submitter. Criteria: Invitae Variant Classification Sherloc (09022015). Collection method: clinical testing. Allele origin: germline.
Comment: This sequence change replaces serine, which is neutral and polar, with glycine, which is neutral and non-polar, at codon 272 of the CASR protein (p.Ser272Gly). In summary, the available evidence is currently insufficient to determine the role of this variant in disease. Therefore, it has been classified as a Variant of Uncertain Significance. Algorithms developed to predict the effect of missense changes on protein structure and function are either unavailable or do not agree on the potential impact of this missense change (SIFT: "Deleterious"; PolyPhen-2: "Benign"; Align-GVGD: "Class C55"). This variant has not been reported in the literature in individuals affected with CASR-related conditions. This variant is present in population databases (rs764943919, gnomAD 0.0009%).

Ambry Genetics
Classification: Uncertain significance for Nephrolithiasis/nephrocalcinosis. Last evaluated: 2022-01-04. Review status: criteria provided, single submitter. Criteria: Ambry Variant Classification Scheme 2023. Collection method: clinical testing. Allele origin: germline.
Comment: The p.S272G variant (also known as c.814A>G), located in coding exon 3 of the CASR gene, results from an A to G substitution at nucleotide position 814. The serine at codon 272 is replaced by glycine, an amino acid with similar properties. This amino acid position is conserved. In addition, the in silico prediction for this alteration is inconclusive. Since supporting evidence is limited at this time, the clinical significance of this alteration remains unclear.

NM_000388.4(CASR):c.814A>G (p.Ser272Gly)

Gene: CASR (calcium sensing receptor; plus strand). Cytogenetic location: 3q21.1.
Variant type: single nucleotide variant.
Coding change: c.814A>G on transcript NM_000388.4 (MANE Select); coding-DNA position 814, A replaced by G.
Protein change: p.Ser272Gly; replaces serine 272 with glycine.
Molecular consequence: missense variant.
Genome position (GRCh38, 1-based): chr3:122,261,849, A>G. VCF-style: chr3-122261849-A-G. GRCh37 (hg19) VCF-style: chr3-121980696-A-G.
Other names: c.814A>G, p.Ser272Gly (NM_001178065.2); short protein forms S272G.
Identifiers: ClinVar variation 1762182 (VCV001762182.7), dbSNP rs764943919, ClinGen allele CA2569539.